The following is an entry in ClinVar:

ClinVar aggregate classification (germline): Uncertain significance. Review status: criteria provided, multiple submitters, no conflicts (2 of 4 stars). 3 submissions from 3 submitters: Uncertain significance (3). Last evaluated 2025-10-29.

Conditions:
Inborn genetic diseases. Identifiers: MedGen C0950123, MeSH D030342.

Allele frequency attached by ClinVar (database versions not stated): gnomAD exomes below 0.00001; TOPMed 0.00002; ExAC 0.00003; gnomAD 0.00002.
gnomAD v4.1: 16 of 1,606,960 alleles (0.001%); highest among the groups gnomAD compares: Non-Finnish European, 0.0014%; no homozygotes.

Submissions (3):

Ambry Genetics
Classification: Uncertain significance for Inborn genetic diseases. Last evaluated: 2025-10-29. Review status: criteria provided, single submitter. Criteria: Ambry Variant Classification Scheme 2023. Collection method: clinical testing. Allele origin: germline.

Labcorp Genetics (formerly Invitae), Labcorp
Classification: Uncertain significance. Last evaluated: 2024-08-14. Review status: criteria provided, single submitter. Criteria: Invitae Variant Classification Sherloc (09022015). Collection method: clinical testing. Allele origin: germline.
Comment: This sequence change replaces lysine, which is basic and polar, with asparagine, which is neutral and polar, at codon 847 of the ITPR1 protein (p.Lys847Asn). This variant is present in population databases (rs780454319, gnomAD 0.003%). This variant has not been reported in the literature in individuals affected with ITPR1-related conditions. ClinVar contains an entry for this variant (Variation ID: 1359357). Invitae Evidence Modeling of protein sequence and biophysical properties (such as structural, functional, and spatial information, amino acid conservation, physicochemical variation, residue mobility, and thermodynamic stability) indicates that this missense variant is not expected to disrupt ITPR1 protein function with a negative predictive value of 95%. In summary, the available evidence is currently insufficient to determine the role of this variant in disease. Therefore, it has been classified as a Variant of Uncertain Significance.

Athena Diagnostics
Classification: Uncertain significance. Last evaluated: 2024-04-24. Review status: criteria provided, single submitter. Criteria: Athena Diagnostics Criteria. Collection method: clinical testing. Allele origin: unknown.
Comment: Available data are insufficient to determine the clinical significance of the variant at this time. The frequency of this variant in the general population is uninformative in assessment of its pathogenicity. Polyphen and MutationTaster predict this amino acid change may be benign.

NM_001378452.1(ITPR1):c.2586G>C (p.Lys862Asn)

Gene: ITPR1 (inositol 1,4,5-trisphosphate receptor type 1; plus strand). Cytogenetic location: 3p26.1.
Variant type: single nucleotide variant.
Coding change: c.2586G>C on transcript NM_001378452.1 (MANE Select); coding-DNA position 2586, G replaced by C.
Protein change: p.Lys862Asn; replaces lysine 862 with asparagine.
Molecular consequence: missense variant.
Genome position (GRCh38, 1-based): chr3:4,674,331, G>C. VCF-style: chr3-4674331-G-C. GRCh37 (hg19) VCF-style: chr3-4716015-G-C.
Other names: c.2586G>C, p.Lys862Asn (NM_001099952.4); c.2541G>C, p.Lys847Asn (NM_001168272.2, NM_002222.7); c.2541G>C (NM_001168272.1, NM_002222.5); short protein forms K847N, K862N.
Identifiers: ClinVar variation 1359357 (VCV001359357.7), dbSNP rs780454319, ClinGen allele CA2231445.